The following is an entry in ClinVar:

ClinVar aggregate classification (germline): Uncertain significance (1 of 4 stars; one submission).

Conditions:
Atrioventricular septal defect 4 (AVSD4). Identifiers: MedGen C3280781, MONDO:0013747, OMIM 614430.

Submission:

Labcorp Genetics (formerly Invitae), Labcorp
Classification: Uncertain significance for Atrioventricular septal defect 4. Last evaluated: 2026-01-15. Review status: criteria provided, single submitter. Criteria: Invitae Variant Classification Sherloc (09022015). Collection method: clinical testing. Allele origin: germline.
Comment: This sequence change replaces serine, which is neutral and polar, with cysteine, which is neutral and slightly polar, at codon 422 of the GATA4 protein (p.Ser422Cys). This variant is not present in population databases (gnomAD no frequency). This variant has not been reported in the literature in individuals affected with GATA4-related conditions. ClinVar contains an entry for this variant (Variation ID: 1426388). Invitae Evidence Modeling of protein sequence and biophysical properties (such as structural, functional, and spatial information, amino acid conservation, physicochemical variation, residue mobility, and thermodynamic stability) has been performed for this missense variant. However, the output from this modeling did not meet the statistical confidence thresholds required to predict the impact of this variant on GATA4 protein function. In summary, the available evidence is currently insufficient to determine the role of this variant in disease. Therefore, it has been classified as a Variant of Uncertain Significance.

NM_001308093.3(GATA4):c.1268C>G (p.Ser423Cys)

Gene: GATA4 (GATA binding protein 4). Cytogenetic location: 8p23.1.
Variant type: single nucleotide variant.
Coding change: c.1268C>G on transcript NM_001308093.3 (MANE Select); coding-DNA position 1268, C replaced by G.
Protein change: p.Ser423Cys; replaces serine 423 with cysteine.
Molecular consequence: missense variant.
Genome position (GRCh38, 1-based): chr8:11,758,411, C>G. VCF-style: chr8-11758411-C-G. GRCh37 (hg19) VCF-style: chr8-11615920-C-G.
Other names: c.647C>G, p.Ser216Cys (NM_001308094.2, NM_001374273.1); c.521C>G, p.Ser174Cys (NM_001374274.1); c.1265C>G, p.Ser422Cys (NM_002052.5); short protein forms S216C, S423C, S174C, S422C.
Identifiers: ClinVar variation 1426388 (VCV001426388.8), dbSNP rs1343825404, ClinGen allele CA370315765.